The following is an entry in ClinVar:

NM_000349.3(STAR):c.130_134del (p.Pro43_Thr44insTer)

Gene: STAR (steroidogenic acute regulatory protein; minus strand). Cytogenetic location: 8p11.23.
Variant type: Deletion.
Coding change: c.130_134del on transcript NM_000349.3 (MANE Select); coding-DNA positions 130 to 134, 5 bases deleted (ACCCC; older notation c.130_134delACCCC).
Protein change: p.Pro43_Thr44insTer.
Molecular consequence: nonsense.
Genome position (GRCh38, 1-based): chr8:38,148,685-38,148,689, GGGGT deleted on the plus strand (ACCCC on the coding strand, the reverse complement: STAR is on the minus strand); deleting any 5 consecutive bases within chr8:38,148,685-38,148,693 gives the same sequence; the c. name uses the placement nearest the transcript's 3' end. VCF-style (leftmost placement, unchanged base first): chr8-38148684-AGGGGT-A. GRCh37 (hg19) VCF-style: chr8-38006202-AGGGGT-A.
Identifiers: ClinVar variation 4735320 (VCV004735320.1).
Genomic context (GRCh38, chr8:38,148,684, plus strand): 5'-GAAGCCTCAGCACTTACCGAGTAGAGAGCTCCGCCGCCGAACCTGGTTAATCCACGTGCT[AGGGGT>A]GGGGCCCCCCAGGGCCCTCCGGTTCAGCTCCTGGCTGATGGCCATCACAGCCTGTTGCCT-3'

ClinVar aggregate classification (germline): Pathogenic (1 of 4 stars; one submission).

Submission:

Labcorp Genetics (formerly Invitae), Labcorp
Classification: Pathogenic. Last evaluated: 2026-01-13. Review status: criteria provided, single submitter. Criteria: Invitae Variant Classification Sherloc (09022015). Collection method: clinical testing. Allele origin: germline.
Comment: This sequence change creates a premature translational stop signal (p.Thr44*) in the STAR gene. It is expected to result in an absent or disrupted protein product. Loss-of-function variants in STAR are known to be pathogenic (PMID: 8948562). This variant is not present in population databases (gnomAD no frequency). This variant has not been reported in the literature in individuals affected with STAR-related conditions. For these reasons, this variant has been classified as Pathogenic.

Literature cited by the submitters: PubMed 8948562.